The following is an entry in ClinVar:

ClinVar aggregate classification (germline): Uncertain significance (1 of 4 stars; one submission).

Conditions:
Renal cell carcinoma. Identifiers: Orphanet 217071, MedGen C0007134, MeSH D002292, MONDO:0005086, HP:0005584.

Submission:

Labcorp Genetics (formerly Invitae), Labcorp
Classification: Uncertain significance for Renal cell carcinoma. Last evaluated: 2024-10-31. Review status: criteria provided, single submitter. Criteria: Invitae Variant Classification Sherloc (09022015). Collection method: clinical testing. Allele origin: germline.
Comment: This sequence change replaces threonine, which is neutral and polar, with lysine, which is basic and polar, at codon 263 of the MET protein (p.Thr263Lys). This variant is not present in population databases (gnomAD no frequency). This variant has not been reported in the literature in individuals affected with MET-related conditions. Invitae Evidence Modeling of protein sequence and biophysical properties (such as structural, functional, and spatial information, amino acid conservation, physicochemical variation, residue mobility, and thermodynamic stability) indicates that this missense variant is expected to disrupt MET protein function with a positive predictive value of 80%. In summary, the available evidence is currently insufficient to determine the role of this variant in disease. Therefore, it has been classified as a Variant of Uncertain Significance.

NM_000245.4(MET):c.788C>A (p.Thr263Lys)

Gene: MET (MET proto-oncogene, receptor tyrosine kinase; plus strand). Cytogenetic location: 7q31.2.
Variant type: single nucleotide variant.
Coding change: c.788C>A on transcript NM_000245.4 (MANE Select); coding-DNA position 788, C replaced by A.
Protein change: p.Thr263Lys; replaces threonine 263 with lysine.
Molecular consequence: missense variant. On other transcripts: intron variant (1).
Genome position (GRCh38, 1-based): chr7:116,699,872, C>A. VCF-style: chr7-116699872-C-A. GRCh37 (hg19) VCF-style: chr7-116339926-C-A.
Other names: c.788C>A, p.Thr263Lys (NM_001127500.3, NM_001324401.3); c.-91+27295C>A (NM_001324402.2); short protein forms T263K.
Identifiers: ClinVar variation 3730611 (VCV003730611.2).